The following is an entry in ClinVar:

ClinVar aggregate classification (germline): Likely benign. Review status: criteria provided, multiple submitters, no conflicts (2 of 4 stars). 7 submissions from 7 submitters: Likely benign (7). Last evaluated 2026-07-01.

Conditions:
Inborn genetic diseases. Identifiers: MedGen C0950123, MeSH D030342.
CHARGE syndrome (CHARGE). Also called: Coloboma, heart anomaly, choanal atresia, retardation, genital and ear anomalies; CHARGE association; Hall-Hittner syndrome; Hittner Hirsch Kreh syndrome; CHARGE ASSOCIATION--COLOBOMA, HEART ANOMALY, CHOANAL ATRESIA, RETARDATION, GENITAL AND EAR ANOMALIES. Identifiers: Orphanet 138, MedGen C0265354, MONDO:0008965.

Allele frequency attached by ClinVar (database versions not stated): gnomAD 0.00007 and 0.00008; ESP Exome Variant Server 0.00008; TOPMed 0.00010; gnomAD exomes 0.00013; ExAC 0.00016.
gnomAD v4.1: 107 of 1,610,942 alleles (0.0066%); highest among the groups gnomAD compares: South Asian, 0.031%; no homozygotes.

Submissions (7):

CeGaT Center for Human Genetics Tuebingen
Classification: Likely benign. Last evaluated: 2026-07-01. Review status: criteria provided, single submitter. Criteria: CeGaT Center For Human Genetics Tuebingen Variant Classification Criteria Version 2. Collection method: clinical testing. Allele origin: germline. Affected: yes. Observed: 1 variant allele.
Comment: CHD7: BP4, BP7

Labcorp Genetics (formerly Invitae), Labcorp
Classification: Likely benign for CHARGE syndrome. Last evaluated: 2026-01-19. Review status: criteria provided, single submitter. Criteria: Invitae Variant Classification Sherloc (09022015). Collection method: clinical testing. Allele origin: germline.

Mayo Clinic Laboratories, Mayo Clinic
Classification: Likely benign. Last evaluated: 2025-08-12. Review status: criteria provided, single submitter. Criteria: ACMG Guidelines, 2015. Collection method: clinical testing. Allele origin: germline. Observed: 2 variant alleles.
Comment: BP4, BP7

Blueprint Genetics
Classification: Likely benign. Last evaluated: 2024-09-17. Review status: criteria provided, single submitter. Criteria: ACMG Guidelines, 2015. Collection method: clinical testing. Allele origin: germline.

GeneDx
Classification: Likely benign. Last evaluated: 2021-11-11. Review status: criteria provided, single submitter. Criteria: GeneDx Variant Classification Process June 2021. Collection method: clinical testing. Allele origin: germline. Affected: yes.

Ambry Genetics
Classification: Likely benign for Inborn genetic diseases. Last evaluated: 2018-04-24. Review status: criteria provided, single submitter. Criteria: Ambry Variant Classification Scheme 2023. Collection method: clinical testing. Allele origin: germline.

Laboratory for Molecular Medicine, Mass General Brigham Personalized Medicine
Classification: Likely benign. Last evaluated: 2017-08-23. Review status: criteria provided, single submitter. Criteria: LMM Criteria. Collection method: clinical testing. Allele origin: germline. Observed: 2 variant alleles.
Comment: p.Ala2804Ala in exon 38 of CHD7: This variant is not expected to have clinical s ignificance because it does not alter an amino acid residue and is not located w ithin the splice consensus sequence. It has been identified in 0.03% (5/14598) o f South Asian chromosomes by the Exome Aggregation Consortium (ExAC .; dbSNP rs200747690).

NM_017780.4(CHD7):c.8412G>A (p.Ala2804=)

Gene: CHD7 (chromodomain helicase DNA binding protein 7; plus strand). Cytogenetic location: 8q12.2.
Variant type: single nucleotide variant.
Coding change: c.8412G>A on transcript NM_017780.4 (MANE Select); coding-DNA position 8412, G replaced by A.
Protein change: p.Ala2804=; no amino-acid change (alanine 2804 retained).
Molecular consequence: synonymous variant.
Genome position (GRCh38, 1-based): chr8:60,865,351, G>A. VCF-style: chr8-60865351-G-A. GRCh37 (hg19) VCF-style: chr8-61777910-G-A.
Other names: p.Ala2804=; c.2265G>A, p.Ala755= (NM_001316690.1).
Identifiers: ClinVar variation 666670 (VCV000666670.20), dbSNP rs200747690, ClinGen allele CA4761007.
Genomic context (GRCh38, chr8:60,865,351, plus strand): 5'-CGCCGGAGGCGATGCGAAGAACCCTGCTGCTGTGCTGCCCCTGATGCTGCCAGGAATGGC[G>A]GGCCTGCCCAACGTGTTTGGCTTGGGCGGGCTGTTGAATAACCCTCTGTCAGCTGCTACT-3'
Protein context (NP_060250.2, residues 2794-2814): AVLPLMLPGM[Ala2804=]GLPNVFGLGG